The following is an entry in ClinVar:

NM_000875.5(IGF1R):c.836G>A (p.Arg279His)

Gene: IGF1R (insulin like growth factor 1 receptor; plus strand). Cytogenetic location: 15q26.3.
Variant type: single nucleotide variant.
Coding change: c.836G>A on transcript NM_000875.5 (MANE Select); coding-DNA position 836, G replaced by A.
Protein change: p.Arg279His; replaces arginine 279 with histidine.
Molecular consequence: missense variant.
Genome position (GRCh38, 1-based): chr15:98,891,520, G>A. VCF-style: chr15-98891520-G-A. GRCh37 (hg19) VCF-style: chr15-99434749-G-A.
Other names: c.836G>A, p.Arg279His (NM_001291858.2); short protein forms R279H.
Identifiers: ClinVar variation 2627277 (VCV002627277.3), dbSNP rs778765650, ClinGen allele CA7751916.
Genomic context (GRCh38, chr15:98,891,520, plus strand): 5'-TCTGTGTGCCTGCCTGCCCGCCCAACACCTACAGGTTTGAGGGCTGGCGCTGTGTGGACC[G>A]TGACTTCTGCGCCAACATCCTCAGCGCCGAGAGCAGCGACTCCGAGGGGTTTGTGATCCA-3'
Protein context (NP_000866.1, residues 269-289): YRFEGWRCVD[Arg279His]DFCANILSAE

ClinVar aggregate classification (germline): Uncertain significance. Review status: criteria provided, multiple submitters, no conflicts (2 of 4 stars). 2 submissions from 2 submitters: Uncertain significance (2). Last evaluated 2024-12-05.

Allele frequency attached by ClinVar (database versions not stated): ExAC 0.00001; gnomAD exomes 0.00001; gnomAD 0.00002; TOPMed 0.00002.
gnomAD v4.1: 10 of 1,613,268 alleles (0.00062%); highest among the groups gnomAD compares: African/African-American, 0.008%; no homozygotes.

Submissions (2):

Labcorp Genetics (formerly Invitae), Labcorp
Classification: Uncertain significance. Last evaluated: 2024-12-05. Review status: criteria provided, single submitter. Criteria: Invitae Variant Classification Sherloc (09022015). Collection method: clinical testing. Allele origin: germline.
Comment: This sequence change replaces arginine, which is basic and polar, with histidine, which is basic and polar, at codon 279 of the IGF1R protein (p.Arg279His). This variant is present in population databases (rs778765650, gnomAD 0.009%). This variant has not been reported in the literature in individuals affected with IGF1R-related conditions. ClinVar contains an entry for this variant (Variation ID: 2627277). Invitae Evidence Modeling of protein sequence and biophysical properties (such as structural, functional, and spatial information, amino acid conservation, physicochemical variation, residue mobility, and thermodynamic stability) has been performed for this missense variant. However, the output from this modeling did not meet the statistical confidence thresholds required to predict the impact of this variant on IGF1R protein function. In summary, the available evidence is currently insufficient to determine the role of this variant in disease. Therefore, it has been classified as a Variant of Uncertain Significance.

Women's Health and Genetics/Laboratory Corporation of America, LabCorp
Classification: Uncertain significance. Last evaluated: 2023-09-19. Review status: criteria provided, single submitter. Criteria: LabCorp Variant Classification Summary - May 2015. Collection method: clinical testing. Allele origin: germline.
Comment: Variant summary: IGF1R c.836G>A (p.Arg279His) results in a non-conservative amino acid change located in the Furin-like cysteine-rich domain (IPR006211) of the encoded protein sequence. Four of five in-silico tools predict a damaging effect of the variant on protein function. The variant allele was found at a frequency of 1.6e-05 in 250726 control chromosomes. The available data on variant occurrences in the general population are insufficient to allow any conclusion about variant significance. To our knowledge, no occurrence of c.836G>A in individuals affected with Growth Delay Due To Insulin-Like Growth Factor I Resistance and no experimental evidence demonstrating its impact on protein function have been reported. No submitters have cited clinical-significance assessments for this variant to ClinVar after 2014. Based on the evidence outlined above, the variant was classified as uncertain significance.